The following is an entry in ClinVar:

ClinVar aggregate classification (germline): Pathogenic/Likely pathogenic. Review status: criteria provided, multiple submitters, no conflicts (2 of 4 stars). 3 submissions from 3 submitters: Pathogenic (1); Likely pathogenic (2). Last evaluated 2026-01-26.

Conditions:
Developmental and epileptic encephalopathy, 54. Also called: HNRNPU-Related Neurodevelopmental Disorder; Epileptic encephalopathy, early infantile, 54. Identifiers: MedGen C4479319, MONDO:0033363, OMIM 617391.

Submissions (3):

Medical and Scientific Branch, Hong Kong Genome Institute
Classification: Pathogenic for Developmental and epileptic encephalopathy, 54. Last evaluated: 2026-01-26. Review status: criteria provided, single submitter. Criteria: ACMG Guidelines, 2015. Collection method: clinical testing. Allele origin: de novo. Affected: yes.

Department of Human Genetics, Hannover Medical School
Classification: Likely pathogenic for Developmental and epileptic encephalopathy, 54. Last evaluated: 2024-07-19. Review status: criteria provided, single submitter. Criteria: ACMG Guidelines, 2015. Collection method: clinical testing. Allele origin: germline. Inheritance: Autosomal dominant inheritance. Affected: yes.

Laboratorio de Genetica e Diagnostico Molecular, Hospital Israelita Albert Einstein
Classification: Likely pathogenic for Developmental and epileptic encephalopathy, 54. Last evaluated: 2022-08-12. Review status: criteria provided, single submitter. Criteria: ACMG Guidelines, 2015. Collection method: clinical testing. Allele origin: germline. Affected: yes.
Comment: ACMG classification criteria: PVS1 very strong, PM2 moderated

NM_031844.3(HNRNPU):c.643_652del (p.Lys215fs)

Gene: HNRNPU (heterogeneous nuclear ribonucleoprotein U; minus strand). Cytogenetic location: 1q44.
Variant type: Deletion.
Coding change: c.643_652del on transcript NM_031844.3 (MANE Select); coding-DNA positions 643 to 652, 10 bases deleted (AAGGCGGAAG; older notation c.643_652delAAGGCGGAAG).
Protein change: p.Lys215fs; shifts the reading frame from lysine 215.
Molecular consequence: frameshift variant. On other transcripts: intron variant (1).
Genome position (GRCh38, 1-based): chr1:244,863,656-244,863,665, CTTCCGCCTT deleted on the plus strand (AAGGCGGAAG on the coding strand, the reverse complement: HNRNPU is on the minus strand); deleting any 10 consecutive bases within chr1:244,863,656-244,863,669 gives the same sequence; the c. name uses the placement nearest the transcript's 3' end. VCF-style (leftmost placement, unchanged base first): chr1-244863655-CCTTCCGCCTT-C. GRCh37 (hg19) VCF-style: chr1-245026957-CCTTCCGCCTT-C.
Other names: c.634+9_634+18del (NM_004501.3); short protein forms K215fs.
Identifiers: ClinVar variation 2431932 (VCV002431932.4), dbSNP rs2527894074, ClinGen allele CA2574464054.